The following is an entry in ClinVar:

ClinVar aggregate classification (germline): Conflicting classifications of pathogenicity. Review status: criteria provided, conflicting classifications (1 of 4 stars). 8 submissions from 8 submitters: Uncertain significance (5); Likely benign (1). 2 of the submissions do not count toward it. Last evaluated 2026-01-28.

Conditions:
Hereditary cancer-predisposing syndrome. Also called: Hereditary Cancer Syndrome; Hereditary neoplastic syndrome; Neoplastic Syndromes, Hereditary; Tumor predisposition. Identifiers: Orphanet 140162, MedGen C0027672, MeSH D009386, MONDO:0015356.
Hereditary breast ovarian cancer syndrome. Also called: BRCA1- and BRCA2-Associated Hereditary Breast and Ovarian Cancer; Hereditary breast and ovarian cancer syndrome; Hereditary breast and ovarian cancer syndrome (HBOC); Breast and ovarian cancer; Hereditary breast and/or ovarian cancer syndrome; Hereditary breast and ovarian cancer. Identifiers: Orphanet 145, MedGen C0677776, MeSH D061325, MONDO:0003582. Disease mechanism: loss of function.
Familial cancer of breast. Also called: hereditary breast carcinoma; BREAST CANCER, FAMILIAL; Hereditary breast cancer. Identifiers: Orphanet 227535, MedGen C0346153, MONDO:0016419, OMIM 114480. Disease mechanism: loss of function.
Breast-ovarian cancer, familial, susceptibility to, 1 (BROVCA1). Also called: BRCA1 Hereditary Breast and Ovarian Cancer; OVARIAN CANCER, SUSCEPTIBILITY TO. Identifiers: Orphanet 145, MedGen C2676676, MONDO:0011450, OMIM 604370. Disease mechanism: loss of function.

Allele frequency attached by ClinVar (database versions not stated): gnomAD exomes 0.00001; ExAC 0.00001.
gnomAD v4.1: 2 of 1,613,564 alleles (0.00012%); highest among the groups gnomAD compares: Admixed American, 0.0033%; no homozygotes.

Submissions (8):

Catlab - Consorci Sanitari de Terrassa
Classification: Uncertain significance for Hereditary cancer-predisposing syndrome. Last evaluated: 2026-01-28. Review status: criteria provided, single submitter. Criteria: ClinGen BRCA1BRCA2 ACMG Specifications BRCA1 V1.2.0. Collection method: clinical testing. Allele origin: germline.
Comment: Based on the currently available information, this variant is classified as Uncertain Significance according to ClinGen-BRCA1 v1.2.0 guidelines. ACMG criteria: PP3.

Labcorp Genetics (formerly Invitae), Labcorp
Classification: Uncertain significance for Hereditary breast ovarian cancer syndrome. Last evaluated: 2026-01-07. Review status: criteria provided, single submitter. Criteria: Invitae Variant Classification Sherloc (09022015). Collection method: clinical testing. Allele origin: germline.
Comment: This sequence change replaces aspartic acid, which is acidic and polar, with asparagine, which is neutral and polar, at codon 219 of the BRCA1 protein (p.Asp219Asn). This variant is present in population databases (rs273902779, gnomAD 0.007%). This variant has not been reported in the literature in individuals affected with BRCA1-related conditions. ClinVar contains an entry for this variant (Variation ID: 55655). Invitae Evidence Modeling of protein sequence and biophysical properties (such as structural, functional, and spatial information, amino acid conservation, physicochemical variation, residue mobility, and thermodynamic stability) indicates that this missense variant is not expected to disrupt BRCA1 protein function with a negative predictive value of 80%. Experimental studies have shown that this missense change does not substantially affect BRCA1 function (PMID: 25823446). Algorithms developed to predict the effect of sequence changes on RNA splicing suggest that this variant may disrupt the consensus splice site. In summary, the available evidence is currently insufficient to determine the role of this variant in disease. Therefore, it has been classified as a Variant of Uncertain Significance.

Color Diagnostics, LLC DBA Color Health
Classification: Uncertain significance for Hereditary cancer-predisposing syndrome. Last evaluated: 2024-07-01. Review status: criteria provided, single submitter. Criteria: ACMG Guidelines, 2015. Collection method: clinical testing. Allele origin: germline.
Comment: This missense variant replaces aspartic acid with asparagine at codon 219 of the BRCA1 protein. Computational prediction suggests that this variant may not impact protein structure and function. A functional study has reported that this variant does not impact BRCA1 function in a E3 ubiquitin ligase assay (PMID: 25823446). This variant has been reported in one individual each affected with breast cancer and colorectal cancer (PMID: 25980754; doi: 10.29289/2594539420210032). This variant has been identified in 2/250952 chromosomes in the general population by the Genome Aggregation Database (gnomAD). The available evidence is insufficient to determine the role of this variant in disease conclusively. Therefore, this variant is classified as a Variant of Uncertain Significance.

MGZ Medical Genetics Center
Classification: Uncertain significance for Familial cancer of breast. Last evaluated: 2024-02-09. Review status: criteria provided, single submitter. Criteria: CSpec BRCA1/2ACMG Rules Specifications V1.1.0. Collection method: clinical testing. Allele origin: germline. Affected: yes.
Comment: ACMG codes applied following ENIGMA VCEP rules: PM2_SUP, PP3

Ambry Genetics
Classification: Likely benign for Hereditary cancer-predisposing syndrome. Last evaluated: 2016-11-07. Review status: criteria provided, single submitter. Criteria: Ambry Variant Classification Scheme 2023. Collection method: clinical testing. Allele origin: germline.

GeneDx
Classification: Uncertain significance. Last evaluated: 2016-07-18. Review status: criteria provided, single submitter. Criteria: GeneDx Variant Classification (06012015). Collection method: clinical testing. Allele origin: germline. Affected: yes.
Comment: This variant is denoted BRCA1 c.655G>A at the cDNA level, p.Asp219Asn (D219N) at the protein level, and results in the change of an Aspartic Acid to an Asparagine (GAT>AAT). Using alternate nomenclature, this variant would be defined as BRCA1 774G>A. This variant has been reported in an individual with a Lynch syndrome-associated tumor and/or colon polyps (Yurgelun 2015). BRCA1 Asp219Asn was not observed in approximately 6,500 individuals of European and African American ancestry in the NHLBI Exome Sequencing Project, suggesting it is not a common benign variant in these populations. Since Aspartic Acid and Asparagine differ in some properties, this is considered a semi-conservative amino acid substitution. BRCA1 Asp219Asn occurs at a position that is not conserved and is located in a region known to interact with BRD7 and MB2 (Wang 1998, Harte 2010). In silico analyses predict that this variant is unlikely to alter protein structure or function. Based on currently available evidence, it is unclear whether BRCA1 Asp219Asn is a pathogenic or benign variant. We consider it to be a variant of uncertain significance.

Counsyl
Classification: Uncertain significance for Breast-ovarian cancer, familial, susceptibility to, 1. Last evaluated: 2016-01-13. Review status: no assertion criteria provided. Collection method: clinical testing. Allele origin: unknown. Not counted in ClinVar's aggregate classification.

Breast Cancer Information Core (BIC) (BRCA1)
Classification: Uncertain significance for Breast-ovarian cancer, familial 1. Last evaluated: 2010-12-17. Review status: no assertion criteria provided. Collection method: clinical testing. Allele origin: germline. Affected: yes. Observed: 1 variant allele. Not counted in ClinVar's aggregate classification.

Literature cited by the submitters: PubMed 25823446 (cited by 3 submitters); PubMed 25980754 (cited by Color Diagnostics, LLC DBA Color Health and Counsyl).

NM_007294.4(BRCA1):c.655G>A (p.Asp219Asn)

Gene: BRCA1 (BRCA1 DNA repair associated; minus strand). Cytogenetic location: 17q21.31.
Variant type: single nucleotide variant.
Coding change: c.655G>A on transcript NM_007294.4 (MANE Select); coding-DNA position 655, G replaced by A.
Protein change: p.Asp219Asn; replaces aspartic acid 219 with asparagine.
Molecular consequence: missense variant. On other transcripts: non-coding transcript variant (1).
Genome position (GRCh38, 1-based): chr17:43,095,861, C>T on the plus strand (G>A on the coding strand, the complement: BRCA1 is on the minus strand). VCF-style: chr17-43095861-C-T. GRCh37 (hg19) VCF-style: chr17-41247878-C-T.
Other names: c.511G>A, p.Asp171Asn (NM_001407841.1, NM_001407842.1, NM_001407843.1 and 26 more transcripts); c.514G>A, p.Asp172Asn (NM_001407850.1, NM_001407851.1, NM_001407852.1 and 43 more transcripts); c.442G>A, p.Asp148Asn (NM_001407853.1, NM_001407894.1, NM_001407895.1 and 12 more transcripts); c.655G>A, p.Asp219Asn (NM_001407854.1, NM_001407858.1, NM_001407859.1 and 59 more transcripts); c.652G>A, p.Asp218Asn (NM_001407860.1, NM_001407861.1, NM_001407972.1 and 41 more transcripts); c.445G>A, p.Asp149Asn (NM_001407879.1, NM_001407881.1, NM_001407882.1 and 27 more transcripts); c.274G>A, p.Asp92Asn (NM_001407959.1, NM_001407960.1, NM_001407963.1 and 1 more transcripts); c.271G>A, p.Asp91Asn (NM_001407962.1); and 4 more; short protein forms D219N, D172N, D218N, D148N, D174N, D192N, D216N, D91N.
Identifiers: ClinVar variation 55655 (VCV000055655.25), dbSNP rs273902779, ClinGen allele CA003776.